The following is an entry in ClinVar:

ClinVar aggregate classification (germline): Conflicting classifications of pathogenicity. Review status: criteria provided, conflicting classifications (1 of 4 stars). 2 submissions from 2 submitters: Uncertain significance (1); Likely benign (1). Last evaluated 2026-01-20.

Conditions:
Autoimmune lymphoproliferative syndrome type 2A (ALPS2A). Also called: Autoimmune lymphoproliferative syndrome type 2; CASP10-Related Autoimmune Lymphoproliferative Syndrome; AUTOIMMUNE LYMPHOPROLIFERATIVE SYNDROME, TYPE IIA. Identifiers: Orphanet 3261, MedGen C1858968, MONDO:0011383, OMIM 603909.

Allele frequency attached by ClinVar (database versions not stated): gnomAD 0.00001; TOPMed 0.00001; ExAC 0.00002; gnomAD exomes 0.00002.

Submissions (2):

Labcorp Genetics (formerly Invitae), Labcorp
Classification: Uncertain significance for Autoimmune lymphoproliferative syndrome type 2A. Last evaluated: 2026-01-20. Review status: criteria provided, single submitter. Criteria: Invitae Variant Classification Sherloc (09022015). Collection method: clinical testing. Allele origin: germline.
Comment: This sequence change replaces glycine, which is neutral and non-polar, with serine, which is neutral and polar, at codon 241 of the CASP10 protein (p.Gly241Ser). This variant also falls at the last nucleotide of exon 6, which is part of the consensus splice site for this exon. This variant is present in population databases (rs779013005, gnomAD 0.04%). This variant has not been reported in the literature in individuals affected with CASP10-related conditions. ClinVar contains an entry for this variant (Variation ID: 897314). An algorithm developed to predict the effect of missense changes on protein structure and function (PolyPhen-2) suggests that this variant is likely to be tolerated. Variants that disrupt the consensus splice site are a relatively common cause of aberrant splicing (PMID: 17576681, 9536098). Algorithms developed to predict the effect of sequence changes on RNA splicing suggest that this variant may disrupt the consensus splice site. In summary, the available evidence is currently insufficient to determine the role of this variant in disease. Therefore, it has been classified as a Variant of Uncertain Significance.

Illumina Laboratory Services, Illumina
Classification: Likely benign for Autoimmune lymphoproliferative syndrome type 2A. Last evaluated: 2018-01-13. Review status: criteria provided, single submitter. Criteria: ICSL Variant Classification Criteria 13 December 2019. Collection method: clinical testing. Allele origin: germline.
Comment: This variant was observed in the ICSL laboratory as part of a predisposition screen in an ostensibly healthy population. It had not been previously curated by ICSL or reported in the Human Gene Mutation Database (HGMD: prior to June 1st, 2018), and was therefore a candidate for classification through an automated scoring system. Utilizing variant allele frequency, disease prevalence and penetrance estimates, and inheritance mode, an automated score was calculated to assess if this variant is too frequent to cause the disease. Based on the score and internal cut-off values, a variant classified as likely benign is not then subjected to further curation. The score for this variant resulted in a classification of likely benign for this disease.

Literature cited by the submitters: PubMed 17576681 (cited by Labcorp Genetics (formerly Invitae), Labcorp); PubMed 9536098 (cited by Labcorp Genetics (formerly Invitae), Labcorp).

NM_032977.4(CASP10):c.721G>A (p.Gly241Ser)

Gene: CASP10 (caspase 10; plus strand). Cytogenetic location: 2q33.1.
Variant type: single nucleotide variant.
Coding change: c.721G>A on transcript NM_032977.4 (MANE Select); coding-DNA position 721, G replaced by A.
Protein change: p.Gly241Ser; replaces glycine 241 with serine.
Molecular consequence: missense variant. On other transcripts: intron variant (2).
Genome position (GRCh38, 1-based): chr2:201,203,766, G>A. VCF-style: chr2-201203766-G-A. GRCh37 (hg19) VCF-style: chr2-202068489-G-A.
Other names: c.721G>A, p.Glu241Lys (NM_001206524.2, NM_032976.4); c.721G>A, p.Gly241Ser (NM_032974.5); c.685-4309G>A (NM_001206542.2, NM_001230.5); short protein forms E241K, G241S.
Identifiers: ClinVar variation 897314 (VCV000897314.5), dbSNP rs779013005, ClinGen allele CA2053016.
Genomic context (GRCh38, chr2:201,203,766, plus strand): 5'-ATGCCCTCCTTTCTTTTTTCTCAGCAGGAGTCCTGGCAAAATAAGCATGCAGGTAGTAAT[G>A]GTAGGTATTTCTAATGTACTTTTTACAACTTAGATCGGTATGGTAGGGATAGACATATTT-3'
Protein context (NP_116759.2, residues 231-251): SWQNKHAGSN[Gly241Ser]NRATNGAPSL